The following is an entry in ClinVar:

ClinVar aggregate classification (germline): Likely pathogenic. Review status: criteria provided, multiple submitters, no conflicts (2 of 4 stars). 2 submissions from 2 submitters: Likely pathogenic (2). Last evaluated 2023-11-09.

Conditions:
Familial thoracic aortic aneurysm and aortic dissection (TAAD). Also called: Thoracic aortic aneurysms and dissections. Identifiers: Orphanet 91387, MedGen C4707243, MONDO:0019625.
Marfan syndrome (MFS). Also called: MARFAN SYNDROME, TYPE I; Marfan syndrome type 1; Marfan's syndrome; Marfan syndrome, classic; FBN1-Related Marfan Syndrome. Identifiers: Orphanet 284963, Orphanet 558, MedGen C0024796, MONDO:0007947, OMIM 154700.

Submissions (2):

GeneDx
Classification: Likely pathogenic. Last evaluated: 2023-11-09. Review status: criteria provided, single submitter. Criteria: GeneDx Variant Classification Process June 2021. Collection method: clinical testing. Allele origin: germline. Affected: yes.
Comment: Has not been previously published as pathogenic or benign to our knowledge; Not observed at significant frequency in large population cohorts (gnomAD); In silico analysis supports that this missense variant has a deleterious effect on protein structure/function; Affects a cysteine residue within a calcium-binding EGF-like domain of the FBN1 gene, which may affect disulfide bonding and is predicted to alter the structure and function of the protein; cysteine substitutions in the calcium-binding EGF-like domains represent the majority of pathogenic missense changes associated with FBN1-related disorders (PMID: 12938084); This variant is associated with the following publications: (PMID: 12938084)

Labcorp Genetics (formerly Invitae), Labcorp
Classification: Likely pathogenic for Marfan syndrome; Familial thoracic aortic aneurysm and aortic dissection. Last evaluated: 2022-05-21. Review status: criteria provided, single submitter. Criteria: Invitae Variant Classification Sherloc (09022015). Collection method: clinical testing. Allele origin: germline.
Comment: Advanced modeling of protein sequence and biophysical properties (such as structural, functional, and spatial information, amino acid conservation, physicochemical variation, residue mobility, and thermodynamic stability) performed at Invitae indicates that this missense variant is expected to disrupt FBN1 protein function. In summary, the currently available evidence indicates that the variant is pathogenic, but additional data are needed to prove that conclusively. Therefore, this variant has been classified as Likely Pathogenic. This variant disrupts the p.Cys2204 amino acid residue in FBN1. Other variant(s) that disrupt this residue have been observed in individuals with FBN1-related conditions (PMID: 28973303, 30048161), which suggests that this may be a clinically significant amino acid residue. This variant affects a cysteine residue in the EGF-like, TGFBP or hybrid motif domains of FBN1. Cysteine residues are believed to be involved in intramolecular disulfide bridges and have been shown to be important for FBN1 protein structure (PMID: 16905551, 19349279). In addition, missense substitutions affecting cysteine residues within these domains are significantly overrepresented among patients with Marfan syndrome (PMID: 16571647, 17701892). This variant has not been reported in the literature in individuals affected with FBN1-related conditions. This variant is not present in population databases (gnomAD no frequency). This sequence change replaces cysteine, which is neutral and slightly polar, with serine, which is neutral and polar, at codon 2204 of the FBN1 protein (p.Cys2204Ser).

Literature cited by the submitters: PubMed 28973303 (cited by Labcorp Genetics (formerly Invitae), Labcorp); PubMed 30048161 (cited by Labcorp Genetics (formerly Invitae), Labcorp); PubMed 16905551 (cited by Labcorp Genetics (formerly Invitae), Labcorp); PubMed 19349279 (cited by Labcorp Genetics (formerly Invitae), Labcorp); PubMed 16571647 (cited by Labcorp Genetics (formerly Invitae), Labcorp); PubMed 17701892 (cited by Labcorp Genetics (formerly Invitae), Labcorp).

NM_000138.5(FBN1):c.6611G>C (p.Cys2204Ser)

Gene: FBN1 (fibrillin 1; minus strand). Cytogenetic location: 15q21.1.
Variant type: single nucleotide variant.
Coding change: c.6611G>C on transcript NM_000138.5 (MANE Select); coding-DNA position 6611, G replaced by C.
Protein change: p.Cys2204Ser; replaces cysteine 2204 with serine.
Molecular consequence: missense variant.
Genome position (GRCh38, 1-based): chr15:48,434,599, C>G on the plus strand (G>C on the coding strand, the complement: FBN1 is on the minus strand). VCF-style: chr15-48434599-C-G. GRCh37 (hg19) VCF-style: chr15-48726796-C-G.
Other names: c.6611G>C, p.Cys2204Ser (NM_001406716.1); short protein forms C2204S.
Identifiers: ClinVar variation 1997294 (VCV001997294.5), dbSNP rs886039158, ClinGen allele CA392334601.